The following is an entry in ClinVar:

ClinVar aggregate classification (germline): Likely benign (1 of 4 stars; one submission).

Allele frequency attached by ClinVar (database versions not stated): ExAC 0.00001.

Submission:

CeGaT Center for Human Genetics Tuebingen
Classification: Likely benign. Last evaluated: 2022-09-01. Review status: criteria provided, single submitter. Criteria: CeGaT Center For Human Genetics Tuebingen Variant Classification Criteria Version 2. Collection method: clinical testing. Allele origin: germline. Affected: yes. Observed: 1 variant allele.
Comment: CUX1: PM2:Supporting, BP4, BP7

NM_181552.4(CUX1):c.2655T>G (p.Ala885=)

Gene: CUX1 (cut like homeobox 1; plus strand). Cytogenetic location: 7q22.1.
Variant type: single nucleotide variant.
Coding change: c.2655T>G on transcript NM_181552.4 (MANE Select); coding-DNA position 2655, T replaced by G.
Protein change: p.Ala885=; no amino-acid change (alanine 885 retained).
Molecular consequence: synonymous variant. On other transcripts: intron variant (5).
Genome position (GRCh38, 1-based): chr7:102,201,952, T>G. VCF-style: chr7-102201952-T-G. GRCh37 (hg19) VCF-style: chr7-101845232-T-G.
Other names: c.2688T>G, p.Ala896= (NM_001202543.2); c.1255+6349T>G (NM_001913.5); c.1249+6349T>G (NM_181500.4); c.1117+6349T>G (NM_001202545.3); c.1207+6349T>G (NM_001202544.3); c.1138+6349T>G (NM_001202546.3).
Identifiers: ClinVar variation 2657868 (VCV002657868.24), dbSNP rs782539877, ClinGen allele CA4411119.